The following is an entry in ClinVar:

NM_001127222.2(CACNA1A):c.3532dup (p.Leu1178fs)

Gene: CACNA1A (calcium voltage-gated channel subunit alpha1 A; minus strand). Cytogenetic location: 19p13.13.
Variant type: Duplication.
Coding change: c.3532dup on transcript NM_001127222.2 (MANE Select); coding-DNA position 3532, one base duplicated (C; older notation c.3532dupC).
Protein change: p.Leu1178fs; shifts the reading frame from leucine 1178.
Molecular consequence: frameshift variant.
Genome position (GRCh38, 1-based): chr19:13,286,524, G duplicated on the plus strand (C on the coding strand, the reverse complement: CACNA1A is on the minus strand); the first of 7 consecutive G bases (chr19:13,286,524-13,286,530); duplicating any one gives the same sequence. VCF-style (leftmost placement, unchanged base first): chr19-13286523-A-AG. GRCh37 (hg19) VCF-style: chr19-13397337-A-AG.
Other names: c.3544dup, p.Leu1182fs (NM_000068.4, NM_023035.3); c.3535dup, p.Leu1179fs (NM_001127221.2, NM_001174080.2); c.3535dupC (NM_001127221.1); short protein forms L1179fs, L1178fs, L1182fs.
Identifiers: ClinVar variation 372975 (VCV000372975.13), dbSNP rs757953057, ClinGen allele CA9240289.

ClinVar aggregate classification (germline): Pathogenic/Likely pathogenic. Review status: criteria provided, multiple submitters, no conflicts (2 of 4 stars). 4 submissions from 4 submitters: Pathogenic (3); Likely pathogenic (1). Last evaluated 2026-07-27.

Conditions:
Episodic ataxia type 2 (EA2). Also called: ATAXIA, FAMILIAL PAROXYSMAL; CEREBELLAR ATAXIA, PAROXYSMAL, ACETAZOLAMIDE-RESPONSIVE; CEREBELLOPATHY, HEREDITARY PAROXYSMAL; EPISODIC ATAXIA, NYSTAGMUS-ASSOCIATED; ACETAZOLAMIDE-RESPONSIVE HEREDITARY PAROXYSMAL CEREBELLAR ATAXIA; ATAXIA, EPISODIC, WITH NYSTAGMUS. Identifiers: Orphanet 97, MedGen C1720416, MONDO:0007163, OMIM 108500.
Developmental and epileptic encephalopathy, 42 (DEE42A). Also called: Epileptic encephalopathy, early infantile, 42; DEVELOPMENTAL AND EPILEPTIC ENCEPHALOPATHY 42A; EPILEPTIC ENCEPHALOPATHY, EARLY INFANTILE, 42A. Identifiers: MedGen C4310716, MONDO:0014917, OMIM 617106.
CACNA1A-related disorder. Also called: CACNA1A-related condition.
Inborn genetic diseases. Identifiers: MedGen C0950123, MeSH D030342.

Submissions (4):

GeneDx
Classification: Pathogenic. Last evaluated: 2026-07-27. Review status: criteria provided, single submitter. Criteria: GeneDx Variant Classification Process June 2021. Collection method: clinical testing. Allele origin: germline.
Comment: Frameshift variant predicted to result in protein truncation or nonsense mediated decay in a gene for which loss of function is a known mechanism of disease

Ambry Genetics
Classification: Pathogenic for Inborn genetic diseases. Last evaluated: 2025-12-10. Review status: criteria provided, single submitter. Criteria: Ambry Variant Classification Scheme 2023. Collection method: clinical testing. Allele origin: germline.
Comment: The c.3535dupC (p.L1179Pfs*38) alteration, located in exon 20 (coding exon 20) of the CACNA1A gene, consists of a duplication of C at position 3535, causing a translational frameshift with a predicted alternate stop codon after 38 amino acids. This alteration is expected to result in loss of function by premature protein truncation or nonsense-mediated mRNA decay. for CACNA1A-related neurologic disorder; however, it is unlikely to be causative of CACNA1A-related spinocerebellar ataxia. Based on data from gnomAD, the CC allele has an overall frequency of 0.002% (3/169032) total alleles studied. The highest observed frequency was 0.015% (2/13718) of African alleles. Based on the available evidence, this alteration is classified as pathogenic.

Labcorp Genetics (formerly Invitae), Labcorp
Classification: Pathogenic for Developmental and epileptic encephalopathy, 42; Episodic ataxia type 2. Last evaluated: 2024-02-22. Review status: criteria provided, single submitter. Criteria: Invitae Variant Classification Sherloc (09022015). Collection method: clinical testing. Allele origin: germline.
Comment: This sequence change creates a premature translational stop signal (p.Leu1179Profs*38) in the CACNA1A gene. It is expected to result in an absent or disrupted protein product. Loss-of-function variants in CACNA1A are known to be pathogenic (PMID: 10371528, 19486177, 25735478, 27250579). The frequency data for this variant in the population databases is considered unreliable, as metrics indicate poor data quality at this position in the gnomAD database. This variant has not been reported in the literature in individuals affected with CACNA1A-related conditions. ClinVar contains an entry for this variant (Variation ID: 372975). For these reasons, this variant has been classified as Pathogenic.

Blueprint Genetics
Classification: Likely pathogenic for CACNA1A-related disorders. Last evaluated: 2021-12-07. Review status: criteria provided, single submitter. Criteria: ACMG Guidelines, 2015. Collection method: clinical testing. Allele origin: germline. Affected: yes. Observed: 1 variant allele.

Literature cited by the submitters: PubMed 10371528 (cited by Labcorp Genetics (formerly Invitae), Labcorp); PubMed 19486177 (cited by Labcorp Genetics (formerly Invitae), Labcorp); PubMed 25735478 (cited by Labcorp Genetics (formerly Invitae), Labcorp); PubMed 27250579 (cited by Labcorp Genetics (formerly Invitae), Labcorp).